The following is an entry in ClinVar:

ClinVar aggregate classification (germline): Benign/Likely benign. Review status: criteria provided, multiple submitters, no conflicts (2 of 4 stars). 4 submissions from 4 submitters: Benign (1); Likely benign (3). Last evaluated 2026-05-15.

Conditions:
Hereditary cancer-predisposing syndrome. Also called: Hereditary neoplastic syndrome; Neoplastic Syndromes, Hereditary; Hereditary Cancer Syndrome; Tumor predisposition. Identifiers: Orphanet 140162, MedGen C0027672, MeSH D009386, MONDO:0015356.
Cardiovascular phenotype. Identifiers: MedGen CN230736.
Neurofibromatosis, type 1 (NF1). Also called: Peripheral type neurofibromatosis; Neurofibromatosis, type I; VON RECKLINGHAUSEN DISEASE; NEUROFIBROMATOSIS, TYPE I, SOMATIC. Identifiers: Orphanet 636, MedGen C0027831, MONDO:0018975, OMIM 162200. Disease mechanism: loss of function.

Allele frequency attached by ClinVar (database versions not stated): gnomAD exomes 0.00001.
gnomAD v4.1: 9 of 1,613,718 alleles (0.00056%); highest among the groups gnomAD compares: Non-Finnish European, 0.00068%; no homozygotes.

Submissions (4):

Myriad Genetics, Inc.
Classification: Benign for Neurofibromatosis, type 1. Last evaluated: 2026-05-15. Review status: criteria provided, single submitter. Criteria: Myriad Autosomal Dominant, Autosomal Recessive and X-Linked Classification Criteria (2023). Collection method: clinical testing. Allele origin: unknown.
Comment: This variant is considered benign. This variant is a silent/synonymous amino acid change and it is not expected to impact splicing.

Labcorp Genetics (formerly Invitae), Labcorp
Classification: Likely benign for Neurofibromatosis, type 1. Last evaluated: 2025-04-30. Review status: criteria provided, single submitter. Criteria: Invitae Variant Classification Sherloc (09022015). Collection method: clinical testing. Allele origin: germline.

Genome-Nilou Lab
Classification: Likely benign for Neurofibromatosis, type 1. Last evaluated: 2022-03-15. Review status: criteria provided, single submitter. Criteria: ACMG Guidelines, 2015. Collection method: clinical testing. Allele origin: germline. Affected: no.

Ambry Genetics
Classification: Likely benign for Cardiovascular phenotype; Hereditary cancer-predisposing syndrome. Last evaluated: 2019-09-15. Review status: criteria provided, single submitter. Criteria: Ambry Variant Classification Scheme 2023. Collection method: clinical testing. Allele origin: germline.

NM_001042492.3(NF1):c.2031C>G (p.Pro677=)

Gene: NF1 (neurofibromin 1; plus strand). Cytogenetic location: 17q11.2.
Variant type: single nucleotide variant.
Coding change: c.2031C>G on transcript NM_001042492.3 (MANE Select); coding-DNA position 2031, C replaced by G.
Protein change: p.Pro677=; no amino-acid change (proline 677 retained).
Molecular consequence: synonymous variant.
Genome position (GRCh38, 1-based): chr17:31,226,464, C>G. VCF-style: chr17-31226464-C-G. GRCh37 (hg19) VCF-style: chr17-29553482-C-G.
Other names: c.2031C>G, p.Pro677= (NM_000267.4).
Identifiers: ClinVar variation 457558 (VCV000457558.12), dbSNP rs753177596, ClinGen allele CA499443623.